The following is an entry in ClinVar:

NM_015909.4(NBAS):c.5773G>T (p.Val1925Phe)

Gene: NBAS (NBAS subunit of NRZ tethering complex; minus strand). Cytogenetic location: 2p24.3.
Variant type: single nucleotide variant.
Coding change: c.5773G>T on transcript NM_015909.4 (MANE Select); coding-DNA position 5773, G replaced by T.
Protein change: p.Val1925Phe; replaces valine 1925 with phenylalanine.
Molecular consequence: missense variant. On other transcripts: non-coding transcript variant (1).
Genome position (GRCh38, 1-based): chr2:15,238,638, C>A on the plus strand (G>T on the coding strand, the complement: NBAS is on the minus strand). VCF-style: chr2-15238638-C-A. GRCh37 (hg19) VCF-style: chr2-15378762-C-A.
Other names: short protein forms V1925F.
Identifiers: ClinVar variation 2126068 (VCV002126068.3), dbSNP rs2528289421, ClinGen allele CA345892044.

ClinVar aggregate classification (germline): Uncertain significance (1 of 4 stars; one submission).

Allele frequency attached by ClinVar (database versions not stated): gnomAD exomes below 0.00001.
gnomAD v4.1: 1 of 1,613,278 alleles (0.000062%); highest among the groups gnomAD compares: Non-Finnish European, 0.000085%; no homozygotes.

Submission:

Labcorp Genetics (formerly Invitae), Labcorp
Classification: Uncertain significance. Last evaluated: 2022-04-28. Review status: criteria provided, single submitter. Criteria: Invitae Variant Classification Sherloc (09022015). Collection method: clinical testing. Allele origin: germline.
Comment: This variant is not present in population databases (gnomAD no frequency). This sequence change replaces valine, which is neutral and non-polar, with phenylalanine, which is neutral and non-polar, at codon 1925 of the NBAS protein (p.Val1925Phe). This variant has not been reported in the literature in individuals affected with NBAS-related conditions. In summary, the available evidence is currently insufficient to determine the role of this variant in disease. Therefore, it has been classified as a Variant of Uncertain Significance. Algorithms developed to predict the effect of missense changes on protein structure and function are either unavailable or do not agree on the potential impact of this missense change (SIFT: "Deleterious"; PolyPhen-2: "Benign"; Align-GVGD: "Class C45").